The following is an entry in ClinVar:

ClinVar aggregate classification (germline): Uncertain significance (1 of 4 stars; one submission).

Conditions:
Inborn genetic diseases. Identifiers: MedGen C0950123, MeSH D030342.

Submission:

Ambry Genetics
Classification: Uncertain significance for Inborn genetic diseases. Last evaluated: 2022-07-08. Review status: criteria provided, single submitter. Criteria: Ambry Variant Classification Scheme 2023. Collection method: clinical testing. Allele origin: germline.
Comment: The p.D843V variant (also known as c.2528A>T), located in coding exon 16 of the EPAS1 gene, results from an A to T substitution at nucleotide position 2528. The aspartic acid at codon 843 is replaced by valine, an amino acid with highly dissimilar properties. This amino acid position is conserved. In addition, this alteration is predicted to be deleterious by in silico analysis. Since supporting evidence is limited at this time, the clinical significance of this alteration remains unclear.

NM_001430.5(EPAS1):c.2528A>T (p.Asp843Val)

Gene: EPAS1 (endothelial PAS domain protein 1; plus strand). Cytogenetic location: 2p21.
Variant type: single nucleotide variant.
Coding change: c.2528A>T on transcript NM_001430.5 (MANE Select); coding-DNA position 2528, A replaced by T.
Protein change: p.Asp843Val; replaces aspartic acid 843 with valine.
Molecular consequence: missense variant.
Genome position (GRCh38, 1-based): chr2:46,384,575, A>T. VCF-style: chr2-46384575-A-T. GRCh37 (hg19) VCF-style: chr2-46611714-A-T.
Other names: short protein forms D843V.
Identifiers: ClinVar variation 1792612 (VCV001792612.2), dbSNP rs2546483685, ClinGen allele CA346707063.